The following is an entry in ClinVar:

ClinVar aggregate classification (germline): Pathogenic (1 of 4 stars; one submission).

Conditions:
H syndrome. Also called: Histiocytosis with joint contractures and sensorineural deafness; HISTIOCYTOSIS AND LYMPHADENOPATHY WITH OR WITHOUT CUTANEOUS, CARDIAC, AND/OR ENDOCRINE FEATURES, JOINT CONTRACTURES, AND/OR DEAFNESS; HYPERPIGMENTATION, CUTANEOUS, WITH HYPERTRICHOSIS, HEPATOSPLENOMEGALY, HEART ANOMALIES, AND HYPOGONADISM WITH OR WITHOUT HEARING LOSS; PIGMENTED HYPERTRICHOSIS WITH INSULIN-DEPENDENT DIABETES MELLITUS; ROSAI-DORFMAN DISEASE, FAMILIAL; SINUS HISTIOCYTOSIS AND MASSIVE LYMPHADENOPATHY. Identifiers: Orphanet 168569, MedGen C1864445, MONDO:0011273, OMIM 602782.

Submission:

Labcorp Genetics (formerly Invitae), Labcorp
Classification: Pathogenic for H syndrome. Last evaluated: 2024-02-24. Review status: criteria provided, single submitter. Criteria: Invitae Variant Classification Sherloc (09022015). Collection method: clinical testing. Allele origin: germline.
Comment: This sequence change creates a premature translational stop signal (p.Arg128Glyfs*97) in the SLC29A3 gene. It is expected to result in an absent or disrupted protein product. Loss-of-function variants in SLC29A3 are known to be pathogenic (PMID: 19336477, 20595384, 23406517, 25963354). This variant is not present in population databases (gnomAD no frequency). This variant has not been reported in the literature in individuals affected with SLC29A3-related conditions. ClinVar contains an entry for this variant (Variation ID: 2086492). Algorithms developed to predict the effect of sequence changes on RNA splicing suggest that this variant may disrupt the consensus splice site. For these reasons, this variant has been classified as Pathogenic.

Literature cited by the submitters: PubMed 19336477; PubMed 20595384; PubMed 23406517; PubMed 25963354.

NM_018344.6(SLC29A3):c.382_383del (p.Arg128fs)

Genes: SLC29A3 (solute carrier family 29 member 3; plus strand), LOC105378353 (uncharacterized LOC105378353; minus strand). Cytogenetic location: 10q22.1.
Variant type: Deletion.
Coding change: c.382_383del on transcript NM_018344.6 (MANE Select); coding-DNA positions 382 to 383, 2 bases deleted (AG; older notation c.382_383delAG).
Protein change: p.Arg128fs; shifts the reading frame from arginine 128.
Molecular consequence: frameshift variant.
Genome position (GRCh38, 1-based): chr10:71,344,290-71,344,291, AG deleted. VCF-style (leftmost placement, unchanged base first): chr10-71344289-CAG-C. GRCh37 (hg19) VCF-style: chr10-73104046-CAG-C.
Other names: c.382_383del, p.Arg128fs (NM_001174098.2); c.148_149del, p.Arg50fs (NM_001363518.2); short protein forms R128fs, R50fs.
Identifiers: ClinVar variation 2086492 (VCV002086492.4), dbSNP rs2492435861, ClinGen allele CA2580081793.